The following is an entry in ClinVar:

NM_138387.4(G6PC3):c.268T>C (p.Tyr90His)

Gene: G6PC3 (glucose-6-phosphatase catalytic subunit 3; plus strand). Cytogenetic location: 17q21.31.
Variant type: single nucleotide variant.
Coding change: c.268T>C on transcript NM_138387.4 (MANE Select); coding-DNA position 268, T replaced by C.
Protein change: p.Tyr90His; replaces tyrosine 90 with histidine.
Molecular consequence: missense variant. On other transcripts: 5 prime UTR variant (4).
Genome position (GRCh38, 1-based): chr17:44,074,209, T>C. VCF-style: chr17-44074209-T-C. GRCh37 (hg19) VCF-style: chr17-42151577-T-C.
Other names: c.268T>C, p.Tyr90His (NM_001319945.2); c.-78T>C (NM_001384165.1, NM_001384166.1, NM_001384167.1 and 1 more transcripts); short protein forms Y90H.
Identifiers: ClinVar variation 3852334 (VCV003852334.1).
Genomic context (GRCh38, chr17:44,074,209, plus strand): 5'-TTCTCTTCCAGGTTTCTTTTTGGAGACAGGCCCTTTTGGTGGGTCCATGAGTCTGGTTAC[T>C]ACAGCCAGGCTCCAGCCCAGGTTCACCAGTTCCCCTCTTCTTGTGAGACTGGTCCAGGTG-3'
Protein context (NP_612396.1, residues 80-100): PFWWVHESGY[Tyr90His]SQAPAQVHQF

ClinVar aggregate classification (germline): Uncertain significance (1 of 4 stars; one submission).

Conditions:
Inborn genetic diseases. Identifiers: MedGen C0950123, MeSH D030342.

Submission:

Ambry Genetics
Classification: Uncertain significance for Inborn genetic diseases. Last evaluated: 2024-12-22. Review status: criteria provided, single submitter. Criteria: Ambry Variant Classification Scheme 2023. Collection method: clinical testing. Allele origin: germline.
Comment: The p.Y90H variant (also known as c.268T>C), located in coding exon 2 of the G6PC3 gene, results from a T to C substitution at nucleotide position 268. The tyrosine at codon 90 is replaced by histidine, an amino acid with similar properties. This amino acid position is conserved. In addition, this alteration is predicted to be tolerated by in silico analysis. Based on the available evidence, the clinical significance of this variant remains unclear.